The following is an entry in ClinVar:

NM_000136.3(FANCC):c.620A>G (p.His207Arg)

Genes: FANCC (FA complementation group C; minus strand), AOPEP (aminopeptidase O (putative); plus strand). Cytogenetic location: 9q22.32.
Variant type: single nucleotide variant.
Coding change: c.620A>G on transcript NM_000136.3 (MANE Select); coding-DNA position 620, A replaced by G.
Protein change: p.His207Arg; replaces histidine 207 with arginine.
Molecular consequence: missense variant.
Genome position (GRCh38, 1-based): chr9:95,149,989, T>C on the plus strand (A>G on the coding strand, the complement: FANCC is on the minus strand). VCF-style: chr9-95149989-T-C. GRCh37 (hg19) VCF-style: chr9-97912271-T-C.
Other names: c.620A>G, p.His207Arg (NM_001243743.2, NM_001243744.2); short protein forms H207R.
Identifiers: ClinVar variation 1752203 (VCV001752203.2), dbSNP rs202038890, ClinGen allele CA374109649.
Genomic context (GRCh38, chr9:95,149,989, plus strand): 5'-ATGGCCTCGTTTACAGCCTCAAAGAACTCTGGCTGGAGGATTTCCTGAGGTTCACGTCCA[T>C]GACAGATGAGGAGAGCCTCCACCAGGGGGTCAACATCTGTCAGGGTAATAAGTGGGACAC-3'
Protein context (NP_000127.2, residues 197-217): DPLVEALLIC[His207Arg]GREPQEILQP

ClinVar aggregate classification (germline): Uncertain significance (1 of 4 stars; one submission).

Conditions:
Hereditary cancer-predisposing syndrome. Also called: Hereditary Cancer Syndrome; Hereditary neoplastic syndrome; Neoplastic Syndromes, Hereditary; Tumor predisposition. Identifiers: Orphanet 140162, MedGen C0027672, MeSH D009386, MONDO:0015356.

gnomAD v4.1: 3 of 1,613,818 alleles (0.00019%); highest among the groups gnomAD compares: Admixed American, 0.0033%; no homozygotes.

Submission:

Ambry Genetics
Classification: Uncertain significance for Hereditary cancer-predisposing syndrome. Last evaluated: 2023-12-10. Review status: criteria provided, single submitter. Criteria: Ambry Variant Classification Scheme 2023. Collection method: clinical testing. Allele origin: germline.
Comment: The p.H207R variant (also known as c.620A>G), located in coding exon 6 of the FANCC gene, results from an A to G substitution at nucleotide position 620. The histidine at codon 207 is replaced by arginine, an amino acid with highly similar properties. This amino acid position is well conserved in available vertebrate species. In addition, this alteration is predicted to be tolerated by in silico analysis. Since supporting evidence is limited at this time, the clinical significance of this alteration remains unclear.